The following is an entry in ClinVar:

NM_007194.4(CHEK2):c.199del (p.Ser67fs)

Gene: CHEK2 (checkpoint kinase 2; minus strand). Cytogenetic location: 22q12.1.
Variant type: Deletion.
Coding change: c.199del on transcript NM_007194.4 (MANE Select); coding-DNA position 199, one base deleted (T; older notation c.199delT).
Protein change: p.Ser67fs; shifts the reading frame from serine 67.
Molecular consequence: frameshift variant.
Genome position (GRCh38, 1-based): chr22:28,734,523, A deleted on the plus strand (T on the coding strand, the reverse complement: CHEK2 is on the minus strand). VCF-style (leftmost placement, unchanged base first): chr22-28734522-GA-G. GRCh37 (hg19) VCF-style: chr22-29130510-GA-G.
Other names: c.199delT, p.Ser67Profs (NM_001005735.3, NM_001349956.3, NM_145862.3); c.-579delT (NM_001257387.3); short protein forms S67fs.
Identifiers: ClinVar variation 840848 (VCV000840848.8), dbSNP rs2054320626, ClinGen allele CA916083810.

ClinVar aggregate classification (germline): Pathogenic (1 of 4 stars; one submission).

Conditions:
Familial cancer of breast. Also called: Hereditary breast cancer; hereditary breast carcinoma; BREAST CANCER, FAMILIAL. Identifiers: Orphanet 227535, MedGen C0346153, MONDO:0016419, OMIM 114480. Disease mechanism: loss of function.

Submission:

Labcorp Genetics (formerly Invitae), Labcorp
Classification: Pathogenic for Familial cancer of breast. Last evaluated: 2019-03-18. Review status: criteria provided, single submitter. Criteria: Invitae Variant Classification Sherloc (09022015). Collection method: clinical testing. Allele origin: germline.
Comment: For these reasons, this variant has been classified as Pathogenic. Loss-of-function variants in CHEK2 are known to be pathogenic (PMID: 21876083, 24713400). This variant has not been reported in the literature in individuals with CHEK2-related conditions. This variant is not present in population databases (ExAC no frequency). This sequence change creates a premature translational stop signal (p.Ser67Profs*43) in the CHEK2 gene. It is expected to result in an absent or disrupted protein product.

Literature cited by the submitters: PubMed 21876083; PubMed 24713400.